The following is an entry in ClinVar:

ClinVar aggregate classification (germline): Uncertain significance. Review status: criteria provided, multiple submitters, no conflicts (2 of 4 stars). 2 submissions from 2 submitters: Uncertain significance (2). Last evaluated 2024-03-16.

Conditions:
Cystic fibrosis (CF). Also called: MUCOVISCIDOSIS. Identifiers: Orphanet 586, MedGen C0010674, MONDO:0009061, OMIM 219700. Disease mechanism: loss of function.

Allele frequency attached by ClinVar (database versions not stated): gnomAD 0.00001; TOPMed 0.00002.
gnomAD v4.1: 2 of 1,604,472 alleles (0.00012%); highest among the groups gnomAD compares: African/African-American, 0.0027%; no homozygotes.

Submissions (2):

Labcorp Genetics (formerly Invitae), Labcorp
Classification: Uncertain significance for Cystic fibrosis. Last evaluated: 2024-03-16. Review status: criteria provided, single submitter. Criteria: Invitae Variant Classification Sherloc (09022015). Collection method: clinical testing. Allele origin: germline.
Comment: This sequence change replaces serine, which is neutral and polar, with arginine, which is basic and polar, at codon 624 of the CFTR protein (p.Ser624Arg). This variant is not present in population databases (gnomAD no frequency). This missense change has been observed in individual(s) with cystic fibrosis (PMID: 26708955). ClinVar contains an entry for this variant (Variation ID: 2084320). Advanced modeling of protein sequence and biophysical properties (such as structural, functional, and spatial information, amino acid conservation, physicochemical variation, residue mobility, and thermodynamic stability) performed at Invitae indicates that this missense variant is not expected to disrupt CFTR protein function with a negative predictive value of 80%. In summary, the available evidence is currently insufficient to determine the role of this variant in disease. Therefore, it has been classified as a Variant of Uncertain Significance.

Women's Health and Genetics/Laboratory Corporation of America, LabCorp
Classification: Uncertain significance. Last evaluated: 2023-07-10. Review status: criteria provided, single submitter. Criteria: LabCorp Variant Classification Summary - May 2015. Collection method: clinical testing. Allele origin: germline.

Literature cited by the submitters: PubMed 26708955 (cited by Labcorp Genetics (formerly Invitae), Labcorp).

NM_000492.4(CFTR):c.1872C>A (p.Ser624Arg)

Gene: CFTR (CF transmembrane conductance regulator; plus strand). Cytogenetic location: 7q31.2.
Variant type: single nucleotide variant.
Coding change: c.1872C>A on transcript NM_000492.4 (MANE Select); coding-DNA position 1872, C replaced by A.
Protein change: p.Ser624Arg; replaces serine 624 with arginine.
Molecular consequence: missense variant.
Genome position (GRCh38, 1-based): chr7:117,592,039, C>A. VCF-style: chr7-117592039-C-A. GRCh37 (hg19) VCF-style: chr7-117232093-C-A.
Other names: short protein forms S624R.
Identifiers: ClinVar variation 2084320 (VCV002084320.3), dbSNP rs1309723251, ClinGen allele CA368978549.
Genomic context (GRCh38, chr7:117,592,039, plus strand): 5'-TTCTAAAATGGAACATTTAAAGAAAGCTGACAAAATATTAATTTTGCATGAAGGTAGCAG[C>A]TATTTTTATGGGACATTTTCAGAACTCCAAAATCTACAGCCAGACTTTAGCTCAAAACTC-3'
Protein context (NP_000483.3, residues 614-634): DKILILHEGS[Ser624Arg]YFYGTFSELQ